The following is an entry in ClinVar:

NM_177438.3(DICER1):c.4181_4182del (p.Thr1394fs)

Gene: DICER1 (dicer 1, ribonuclease III; minus strand). Cytogenetic location: 14q32.13.
Variant type: Microsatellite.
Coding change: c.4181_4182del on transcript NM_177438.3 (MANE Select); coding-DNA positions 4181 to 4182, 2 bases deleted (CA; older notation c.4181_4182delCA).
Protein change: p.Thr1394fs; shifts the reading frame from threonine 1394.
Molecular consequence: frameshift variant. On other transcripts: non-coding transcript variant (6).
Genome position (GRCh38, 1-based): chr14:95,099,804-95,099,805, TG deleted on the plus strand (CA on the coding strand, the reverse complement: DICER1 is on the minus strand); deleting any 2 consecutive bases within chr14:95,099,804-95,099,808 gives the same sequence; the c. name uses the placement nearest the transcript's 3' end. VCF-style (leftmost placement, unchanged base first): chr14-95099803-CTG-C. GRCh37 (hg19) VCF-style: chr14-95566140-CTG-C.
Other names: c.4181_4182del, p.Thr1394fs (NM_001195573.1, NM_001271282.3, NM_001291628.2 and 12 more transcripts); c.4178_4179AC[1], p.Thr1394Argfs (NM_001395681.1); c.3899_3900del, p.Thr1300fs (NM_001395686.1); c.3776_3777del, p.Thr1259fs (NM_001395687.1, NM_001395688.1, NM_001395689.1 and 2 more transcripts); c.3614_3615del, p.Thr1205fs (NM_001395691.1); c.2498_2499del, p.Thr833fs (NM_001395697.1); short protein forms T1259fs, T1205fs, T833fs, T1300fs, T1394fs.
Identifiers: ClinVar variation 2027168 (VCV002027168.4), dbSNP rs2542598499, ClinGen allele CA2580612816.
Genomic context (GRCh38, chr14:95,099,803, plus strand): 5'-CACACACACACACACACACACACACACACAAACTTACCATTTCATCTTTTTCCCATTTAT[CTG>C]TGTTGCTTTTGTCTTGATTTACTACATAACCAGGAGGAAGCCAATTCACAGGGGGATCAA-3'

ClinVar aggregate classification (germline): Pathogenic (1 of 4 stars; one submission).

Conditions:
DICER1-related tumor predisposition. Also called: DICER1 syndrome; DICER1-related pleuropulmonary blastoma cancer predisposition syndrome. Identifiers: Orphanet 284343, MedGen C3839822, MONDO:0100216.

Submission:

Labcorp Genetics (formerly Invitae), Labcorp
Classification: Pathogenic for DICER1-related tumor predisposition. Last evaluated: 2022-12-01. Review status: criteria provided, single submitter. Criteria: Invitae Variant Classification Sherloc (09022015). Collection method: clinical testing. Allele origin: germline.
Comment: For these reasons, this variant has been classified as Pathogenic. This variant has not been reported in the literature in individuals affected with DICER1-related conditions. This variant is not present in population databases (gnomAD no frequency). This sequence change creates a premature translational stop signal (p.Thr1394Argfs*2) in the DICER1 gene. It is expected to result in an absent or disrupted protein product. Loss-of-function variants in DICER1 are known to be pathogenic (PMID: 19556464, 21266384).

Literature cited by the submitters: PubMed 19556464; PubMed 21266384.